The following is an entry in ClinVar:

ClinVar aggregate classification (germline): Uncertain significance. Review status: criteria provided, multiple submitters, no conflicts (2 of 4 stars). 3 submissions from 3 submitters: Uncertain significance (3). Last evaluated 2025-05-21.

Conditions:
Arrhythmogenic cardiomyopathy with wooly hair and keratoderma. Also called: PALMOPLANTAR KERATODERMA WITH LEFT VENTRICULAR CARDIOMYOPATHY AND WOOLLY HAIR; Carvajal syndrome; Dilated cardiomyopathy with woolly hair and keratoderma; Arrhythmogenic cardiomyopathy with woolly hair and keratoderma. Identifiers: Orphanet 65282, MedGen C1854063, MONDO:0011581, OMIM 605676.
Arrhythmogenic right ventricular dysplasia 8 (ARVD8). Also called: Arrhythmogenic Right Ventricular Dysplasia/Cardiomyopathy 8; ARRHYTHMOGENIC RIGHT VENTRICULAR DYSPLASIA, FAMILIAL, 8; ARRHYTHMOGENIC RIGHT VENTRICULAR CARDIOMYOPATHY 8. Identifiers: MedGen C1843896, MONDO:0011831, OMIM 607450.
Cardiomyopathy (CMYO). Also called: Cardiomyopathies. Identifiers: Orphanet 167848, MedGen C0878544, MONDO:0004994, HP:0001638. Inheritance: Various modes of inheritance.

Submissions (3):

Labcorp Genetics (formerly Invitae), Labcorp
Classification: Uncertain significance for Arrhythmogenic cardiomyopathy with wooly hair and keratoderma; Arrhythmogenic right ventricular dysplasia 8. Last evaluated: 2025-05-21. Review status: criteria provided, single submitter. Criteria: Invitae Variant Classification Sherloc (09022015). Collection method: clinical testing. Allele origin: germline.
Comment: This sequence change replaces arginine, which is basic and polar, with serine, which is neutral and polar, at codon 2830 of the DSP protein (p.Arg2830Ser). This variant is not present in population databases (gnomAD no frequency). This variant has not been reported in the literature in individuals affected with DSP-related conditions. ClinVar contains an entry for this variant (Variation ID: 921234). An algorithm developed to predict the effect of missense changes on protein structure and function (PolyPhen-2) suggests that this variant is likely to be disruptive. In summary, the available evidence is currently insufficient to determine the role of this variant in disease. Therefore, it has been classified as a Variant of Uncertain Significance.

Color Diagnostics, LLC DBA Color Health
Classification: Uncertain significance for Cardiomyopathy. Last evaluated: 2024-03-06. Review status: criteria provided, single submitter. Criteria: ACMG Guidelines, 2015. Collection method: clinical testing. Allele origin: germline.
Comment: This missense variant replaces arginine with serine at codon 2830 of the DSP protein. Computational prediction suggests that this variant may not impact protein structure and function (internally defined REVEL score threshold <= 0.5, PMID: 27666373). Splice site prediction tools suggest that this variant may not impact RNA splicing. To our knowledge, functional studies have not been performed for this variant. This variant has not been reported in individuals affected with cardiovascular disorders in the literature. This variant has not been identified in the general population by the Genome Aggregation Database (gnomAD). The available evidence is insufficient to determine the role of this variant in disease conclusively. Therefore, this variant is classified as a Variant of Uncertain Significance.

All of Us Research Program, National Institutes of Health
Classification: Uncertain significance for Arrhythmogenic cardiomyopathy with wooly hair and keratoderma. Last evaluated: 2023-08-15. Review status: criteria provided, single submitter. Criteria: ACMG Guidelines, 2015. Collection method: clinical testing. Allele origin: germline. Inheritance: Autosomal dominant inheritance. Observed: 1 variant allele, 1 heterozygote.
Comment: This study involves interpretation of variants in research participants for the purpose of population health screening. Participant phenotype was not available at the time of variant classification. Additional details can be found in publication PMID: 35346344, PMCID: PMC8962531

NM_004415.4(DSP):c.8488C>A (p.Arg2830Ser)

Gene: DSP (desmoplakin; plus strand). Cytogenetic location: 6p24.3.
Variant type: single nucleotide variant.
Coding change: c.8488C>A on transcript NM_004415.4 (MANE Select); coding-DNA position 8488, C replaced by A.
Protein change: p.Arg2830Ser; replaces arginine 2830 with serine.
Molecular consequence: missense variant.
Genome position (GRCh38, 1-based): chr6:7,585,750, C>A. VCF-style: chr6-7585750-C-A. GRCh37 (hg19) VCF-style: chr6-7585983-C-A.
Other names: c.6691C>A, p.Arg2231Ser (NM_001008844.3); c.7159C>A, p.Arg2387Ser (NM_001319034.2); short protein forms R2387S, R2231S, R2830S.
Identifiers: ClinVar variation 921234 (VCV000921234.8), dbSNP rs1354218745, ClinGen allele CA362695246.
Genomic context (GRCh38, chr6:7,585,750, plus strand): 5'-TCCAAGGGCTTACCCAGCCCTTACAACATGTCTTCGGCTCCGGGGTCCCGCTCCGGCTCC[C>A]GCTCGGGATCTCGCTCCGGATCTCGCTCCGGGTCCCGCAGTGGGTCCCGGAGAGGAAGCT-3'
Protein context (NP_004406.2, residues 2820-2840): SSAPGSRSGS[Arg2830Ser]SGSRSGSRSG